The following is an entry in ClinVar:

ClinVar aggregate classification (germline): Uncertain significance (1 of 4 stars; one submission).

Conditions:
Symmetrical dyschromatosis of extremities (DSH). Also called: DYSCHROMATOSIS SYMMETRICA HEREDITARIA 1; RETICULATE ACROPIGMENTATION OF DOHI; SYMMETRIC DYSCHROMATOSIS OF THE EXTREMITIES; Dyschromatosis symmetrica hereditaria. Identifiers: Orphanet 41, MedGen C0406775, MONDO:0007483, OMIM 127400.
Aicardi-Goutieres syndrome 6 (AGS6). Identifiers: Orphanet 51, MedGen C3539013, MONDO:0014007, OMIM 615010.

Allele frequency attached by ClinVar (database versions not stated): gnomAD exomes below 0.00001.
gnomAD v4.1: 2 of 1,614,202 alleles (0.00012%); highest among the groups gnomAD compares: Non-Finnish European, 0.00017%; no homozygotes.

Submission:

Labcorp Genetics (formerly Invitae), Labcorp
Classification: Uncertain significance for Aicardi-Goutieres syndrome 6; Symmetrical dyschromatosis of extremities. Last evaluated: 2022-06-20. Review status: criteria provided, single submitter. Criteria: Invitae Variant Classification Sherloc (09022015). Collection method: clinical testing. Allele origin: germline.
Comment: In summary, the available evidence is currently insufficient to determine the role of this variant in disease. Therefore, it has been classified as a Variant of Uncertain Significance. Algorithms developed to predict the effect of missense changes on protein structure and function are either unavailable or do not agree on the potential impact of this missense change (SIFT: "Tolerated"; PolyPhen-2: "Probably Damaging"; Align-GVGD: "Class C0"). This variant has not been reported in the literature in individuals affected with ADAR-related conditions. This variant is not present in population databases (gnomAD no frequency). This sequence change replaces lysine, which is basic and polar, with glutamine, which is neutral and polar, at codon 1200 of the ADAR protein (p.Lys1200Gln).

NM_001111.5(ADAR):c.3598A>C (p.Lys1200Gln)

Gene: ADAR (adenosine deaminase RNA specific; minus strand). Cytogenetic location: 1q21.3.
Variant type: single nucleotide variant.
Coding change: c.3598A>C on transcript NM_001111.5 (MANE Select); coding-DNA position 3598, A replaced by C.
Protein change: p.Lys1200Gln; replaces lysine 1200 with glutamine.
Molecular consequence: missense variant.
Genome position (GRCh38, 1-based): chr1:154,584,889, T>G on the plus strand (A>C on the coding strand, the complement: ADAR is on the minus strand). VCF-style: chr1-154584889-T-G. GRCh37 (hg19) VCF-style: chr1-154557365-T-G.
Other names: c.2713A>C, p.Lys905Gln (NM_001025107.3, NM_001193495.2, NM_001365046.1 and 2 more transcripts); c.3625A>C, p.Lys1209Gln (NM_001365045.1); c.2635A>C, p.Lys879Gln (NM_001365049.1); c.3520A>C, p.Lys1174Gln (NM_015840.4); c.3463A>C, p.Lys1155Gln (NM_015841.4); short protein forms K1174Q, K1155Q, K1200Q, K1209Q, K879Q, K905Q.
Identifiers: ClinVar variation 1440355 (VCV001440355.6), dbSNP rs2101556953, ClinGen allele CA342634606.
Genomic context (GRCh38, chr1:154,584,889, plus strand): 5'-TCTTTTCCTCCTGGGGTTTGCTAATCCAGTTCCCATAGCCCATATCCTTCAGGCCTTTTT[T>G]GAAGTAGTTCTTGGCCGTCTCGTAGTCACGGGCAGCTTTCTTGGCCTCACCATAGGAGAG-3'
Protein context (NP_001102.3, residues 1190-1210): RDYETAKNYF[Lys1200Gln]KGLKDMGYGN